The following is an entry in ClinVar:

NM_000051.4(ATM):c.6497T>C (p.Val2166Ala)

Genes: ATM (ATM serine/threonine kinase; plus strand), C11orf65 (chromosome 11 open reading frame 65; minus strand). Cytogenetic location: 11q22.3.
Variant type: single nucleotide variant.
Coding change: c.6497T>C on transcript NM_000051.4 (MANE Select); coding-DNA position 6497, T replaced by C.
Protein change: p.Val2166Ala; replaces valine 2166 with alanine.
Molecular consequence: missense variant. On other transcripts: intron variant (2).
Genome position (GRCh38, 1-based): chr11:108,321,345, T>C. VCF-style: chr11-108321345-T-C. GRCh37 (hg19) VCF-style: chr11-108192072-T-C.
Other names: c.6497T>C, p.Val2166Ala (NM_001351834.2); c.641-12274A>G (NM_001330368.2); c.*39-12274A>G (NM_001351110.2); short protein forms V2166A.
Identifiers: ClinVar variation 489574 (VCV000489574.97), dbSNP rs1232551114, ClinGen allele CA382554050.

ClinVar aggregate classification (germline): Uncertain significance. Review status: criteria provided, multiple submitters, no conflicts (2 of 4 stars). 10 submissions from 10 submitters: Uncertain significance (9). 1 of the submissions does not count toward it. Last evaluated 2026-04-01.

Conditions:
ATM-related disorder. Also called: ATM-related disorders; ATM-related condition.
Hereditary cancer-predisposing syndrome. Also called: Neoplastic Syndromes, Hereditary; Hereditary Cancer Syndrome; Tumor predisposition; Hereditary neoplastic syndrome. Identifiers: Orphanet 140162, MedGen C0027672, MeSH D009386, MONDO:0015356.
Hereditary breast ovarian cancer syndrome. Also called: Hereditary breast and ovarian cancer; Breast and ovarian cancer; Hereditary breast and/or ovarian cancer syndrome; Hereditary breast and ovarian cancer syndrome; Hereditary breast and ovarian cancer syndrome (HBOC); BRCA1- and BRCA2-Associated Hereditary Breast and Ovarian Cancer. Identifiers: Orphanet 145, MedGen C0677776, MeSH D061325, MONDO:0003582. Disease mechanism: loss of function.
Familial cancer of breast. Also called: Hereditary breast cancer; BREAST CANCER, FAMILIAL; hereditary breast carcinoma. Identifiers: Orphanet 227535, MedGen C0346153, MONDO:0016419, OMIM 114480. Disease mechanism: loss of function.
Ataxia-telangiectasia syndrome (AT). Also called: LOUIS-BAR SYNDROME; Cerebello-oculocutaneous telangiectasia; Immunodeficiency with ataxia telangiectasia; Ataxia-telangiectasia, complementation group D; AT, COMPLEMENTATION GROUP C; Ataxia-telangiectasia, complementation group E. Identifiers: Orphanet 100, MedGen C0004135, MONDO:0008840, OMIM 208900.

Allele frequency attached by ClinVar (database versions not stated): gnomAD exomes 0.00003; gnomAD 0.00008 and 0.00007; TOPMed below 0.00001.
gnomAD v4.1: 46 of 1,614,034 alleles (0.0029%); highest among the groups gnomAD compares: East Asian, 0.036%; no homozygotes.

Submissions (10):

Ambry Genetics
Classification: Uncertain significance for Hereditary cancer-predisposing syndrome. Last evaluated: 2026-04-01. Review status: criteria provided, single submitter. Criteria: Ambry Variant Classification Scheme 2023. Collection method: clinical testing. Allele origin: germline.
Comment: The p.V2166A variant (also known as c.6497T>C), located in coding exon 44 of the ATM gene, results from a T to C substitution at nucleotide position 6497. The valine at codon 2166 is replaced by alanine, an amino acid with similar properties. In an assay testing ATM function, this variant showed a functionally normal result (Lee KS et al. Cell, 2025 Sep;188:5081-5099.e27). This amino acid position is highly conserved in available vertebrate species. In addition, the in silico prediction for this alteration is inconclusive. Based on the available evidence, the clinical significance of this variant remains unclear.

Color Diagnostics, LLC DBA Color Health
Classification: Uncertain significance for Hereditary cancer-predisposing syndrome. Last evaluated: 2025-01-21. Review status: criteria provided, single submitter. Criteria: ACMG Guidelines, 2015. Collection method: clinical testing. Allele origin: germline.
Comment: This missense variant replaces valine with alanine at codon 2166 of the ATM protein. Computational prediction suggests that this variant may not impact protein structure and function. To our knowledge, functional studies have not been reported for this variant. This variant has been reported in individuals affected with breast cancer and pancreatic ductal adenocarcinoma, as well as in unaffected individuals (PMID: 30287823, 33471991, 35171259). This variant has been identified in 10/282848 chromosomes in the general population by the Genome Aggregation Database (gnomAD). The available evidence is insufficient to determine the role of this variant in disease conclusively. Therefore, this variant is classified as a Variant of Uncertain Significance.

Women's Health and Genetics/Laboratory Corporation of America, LabCorp
Classification: Uncertain significance. Last evaluated: 2024-11-21. Review status: criteria provided, single submitter. Criteria: LabCorp Variant Classification Summary - May 2015. Collection method: clinical testing. Allele origin: germline.
Comment: Variant summary: ATM c.6497T>C (p.Val2166Ala) results in a non-conservative amino acid change located in the PIK-related kinase, FAT domain (IPR003151) of the encoded protein sequence. Three of five in-silico tools predict a damaging effect of the variant on protein function. The variant allele was found at a frequency of 0.0001 in 298912 control chromosomes. This frequency is not significantly higher than estimated for a pathogenic variant in ATM causing Breast Cancer (0.0001 vs 0.001), allowing no conclusion about variant significance. c.6497T>C has been reported in the literature in individuals affected with, prostate cancer, pancreatic ductal adenocarcinoma or biliary tract cancers (Karlson_2021, Yin_2022, Okawa_2023) and breast cancer, but also in healthy controls (e.g. Momozawa_2018). These reports do not provide unequivocal conclusions about association of the variant with Breast Cancer. To our knowledge, no experimental evidence demonstrating an impact on protein function has been reported. The following publications have been ascertained in the context of this evaluation (PMID: 33436325, 30287823, 36243179, 35171259). ClinVar contains an entry for this variant (Variation ID: 489574). Based on the evidence outlined above, the variant was classified as uncertain significance.

Labcorp Genetics (formerly Invitae), Labcorp
Classification: Uncertain significance for Ataxia-telangiectasia syndrome. Last evaluated: 2024-08-28. Review status: criteria provided, single submitter. Criteria: Invitae Variant Classification Sherloc (09022015). Collection method: clinical testing. Allele origin: germline.
Comment: This sequence change replaces valine, which is neutral and non-polar, with alanine, which is neutral and non-polar, at codon 2166 of the ATM protein (p.Val2166Ala). This variant is present in population databases (no rsID available, gnomAD 0.03%). This missense change has been observed in individual(s) with ATM-related conditions (PMID: 30287823, 33436325, 35171259). ClinVar contains an entry for this variant (Variation ID: 489574). An algorithm developed to predict the effect of missense changes on protein structure and function (PolyPhen-2) suggests that this variant¬†is likely to be tolerated. In summary, the available evidence is currently insufficient to determine the role of this variant in disease. Therefore, it has been classified as a Variant of Uncertain Significance.

GeneDx
Classification: Uncertain significance. Last evaluated: 2023-10-13. Review status: criteria provided, single submitter. Criteria: GeneDx Variant Classification Process June 2021. Collection method: clinical testing. Allele origin: germline. Affected: yes.
Comment: In silico analysis supports that this missense variant does not alter protein structure/function; This variant is associated with the following publications: (PMID: 25801821, 24807215, 33436325, 30287823, 29338689, 23532176, 32566746, 35171259, 36243179, 31214711)

Baylor Genetics
Classification: Uncertain significance for Familial cancer of breast. Last evaluated: 2023-08-25. Review status: criteria provided, single submitter. Criteria: ACMG Guidelines, 2015. Collection method: clinical testing. Allele origin: unknown.

CeGaT Center for Human Genetics Tuebingen
Classification: Uncertain significance. Last evaluated: 2023-06-01. Review status: criteria provided, single submitter. Criteria: CeGaT Center For Human Genetics Tuebingen Variant Classification Criteria Version 2. Collection method: clinical testing. Allele origin: germline. Affected: yes. Observed: 1 variant allele.
Comment: ATM: PM2

PreventionGenetics, part of Exact Sciences
Classification: Uncertain significance for ATM-related condition. Last evaluated: 2023-04-28. Review status: criteria provided, single submitter. Criteria: ACMG Guidelines, 2015. Collection method: clinical testing. Allele origin: germline.
Comment: The ATM c.6497T>C variant is predicted to result in the amino acid substitution p.Val2166Ala. This variant has been reported in cases and controls from a breast cancer cohort study (Supplement, Momozawa et al. 2018. PubMed ID: 30287823). It has also been reported in individuals with prostate cancer (Table S6, Momozawa et al. 2020. PubMed ID: 31214711; Table S4, Karlsson et al. 2021. PubMed ID: 33436325). This variant is reported in 0.036% of alleles in individuals of European (Finnish) descent in gnomAD. It is interpreted as uncertain significance in ClinVar. At this time, the clinical significance of this variant is uncertain due to the absence of conclusive functional and genetic evidence.

Cancer Genomics Group, Japanese Foundation For Cancer Research
Classification: Uncertain significance for Hereditary breast and ovarian cancer syndrome. Last evaluated: 2019-05-01. Review status: criteria provided, single submitter. Criteria: ACMG Guidelines, 2015. Collection method: research. Allele origin: germline. Affected: yes.

Natera, Inc.
Classification: Uncertain significance for Ataxia-telangiectasia. Last evaluated: 2020-01-22. Review status: no assertion criteria provided. Collection method: clinical testing. Allele origin: germline. Not counted in ClinVar's aggregate classification.

Literature cited by the submitters: PubMed 31214711 (cited by Ambry Genetics); PubMed 33436325 (cited by 3 submitters); PubMed 40580951 (cited by Ambry Genetics); PubMed 30287823 (cited by 3 submitters); PubMed 33471991 (cited by Color Diagnostics, LLC DBA Color Health); PubMed 35171259 (cited by 3 submitters); PubMed 36243179 (cited by Women's Health and Genetics/Laboratory Corporation of America, LabCorp).